The following is an entry in ClinVar:

NM_006206.6(PDGFRA):c.2054A>G (p.Tyr685Cys)

Gene: PDGFRA (platelet derived growth factor receptor alpha; plus strand). Cytogenetic location: 4q12.
Variant type: single nucleotide variant.
Coding change: c.2054A>G on transcript NM_006206.6 (MANE Select); coding-DNA position 2054, A replaced by G.
Protein change: p.Tyr685Cys; replaces tyrosine 685 with cysteine.
Molecular consequence: missense variant.
Genome position (GRCh38, 1-based): chr4:54,278,413, A>G. VCF-style: chr4-54278413-A-G. GRCh37 (hg19) VCF-style: chr4-55144580-A-G.
Other names: c.2054A>G, p.Tyr685Cys (NM_001347827.2, NM_001347829.2); c.2129A>G, p.Tyr710Cys (NM_001347828.2); c.2093A>G, p.Tyr698Cys (NM_001347830.2); short protein forms Y685C, Y698C, Y710C.
Identifiers: ClinVar variation 2677588 (VCV002677588.2), dbSNP rs2110315508, ClinGen allele CA356893935.

ClinVar aggregate classification (germline): Uncertain significance. Review status: criteria provided, multiple submitters, no conflicts (2 of 4 stars). 2 submissions from 2 submitters: Uncertain significance (2). Last evaluated 2024-07-31.

Conditions:
Hereditary cancer-predisposing syndrome. Also called: Neoplastic Syndromes, Hereditary; Tumor predisposition; Hereditary Cancer Syndrome; Hereditary neoplastic syndrome. Identifiers: Orphanet 140162, MedGen C0027672, MeSH D009386, MONDO:0015356.
Polyps, multiple and recurrent inflammatory fibroid, gastrointestinal. Identifiers: MedGen C5193005, MONDO:0008285, OMIM 175510.

Allele frequency attached by ClinVar (database versions not stated): gnomAD exomes below 0.00001.
gnomAD v4.1: 2 of 1,613,830 alleles (0.00012%); highest among the groups gnomAD compares: Non-Finnish European, 0.000085%; no homozygotes.

Submissions (2):

Ambry Genetics
Classification: Uncertain significance for Hereditary cancer-predisposing syndrome. Last evaluated: 2024-07-31. Review status: criteria provided, single submitter. Criteria: Ambry Variant Classification Scheme 2023. Collection method: clinical testing. Allele origin: germline.
Comment: The p.Y685C variant (also known as c.2054A>G), located in coding exon 14 of the PDGFRA gene, results from an A to G substitution at nucleotide position 2054. The tyrosine at codon 685 is replaced by cysteine, an amino acid with highly dissimilar properties. This amino acid position is conserved. In addition, this alteration is predicted to be deleterious by in silico analysis. Based on the available evidence, the clinical significance of this variant remains unclear.

Baylor Genetics
Classification: Uncertain significance for Polyps, multiple and recurrent inflammatory fibroid, gastrointestinal. Last evaluated: 2023-06-23. Review status: criteria provided, single submitter. Criteria: ACMG Guidelines, 2015. Collection method: clinical testing. Allele origin: unknown.